The following is an entry in ClinVar:

NM_001374504.1(TMPRSS6):c.*576C>A

Gene: TMPRSS6 (transmembrane serine protease 6; minus strand). Cytogenetic location: 22q12.3.
Variant type: single nucleotide variant.
Coding change: c.*576C>A on transcript NM_001374504.1 (MANE Select); 576 bases downstream of the stop codon, C replaced by A.
Molecular consequence: 3 prime UTR variant.
Genome position (GRCh38, 1-based): chr22:37,065,504, G>T on the plus strand (C>A on the coding strand, the complement: TMPRSS6 is on the minus strand). VCF-style: chr22-37065504-G-T. GRCh37 (hg19) VCF-style: chr22-37461544-G-T.
Other names: c.*576C>A (NM_001289000.2, NM_001289001.2, NM_153609.4).
Identifiers: ClinVar variation 341569 (VCV000341569.5), dbSNP rs139014458, ClinGen allele CA10654116.
Genomic context (GRCh38, chr22:37,065,504, plus strand): 5'-GGCAGCTTTATTCCAAAGGGCAGCTGAGCTCACCTCCCAGTGAGGGTCTGGGCTGTGAGG[G>T]CCCAGGTGGCAGGCAGGGGTGGGGCAAGGACCCTGGAGTCAGGACTTCCCCACCTTTTGG-3'

ClinVar aggregate classification (germline): Likely benign (1 of 4 stars; one submission).

Conditions:
Microcytic anemia. Identifiers: MedGen C5194182, MONDO:0001245, HP:0001935. Disease mechanism: loss of function.

Allele frequency attached by ClinVar (database versions not stated): gnomAD 0.00003 and 0.00007; TOPMed 0.00003; 1000 Genomes Project 30x 0.00047; gnomAD exomes 0.00047; 1000 Genomes Project 0.00060.
gnomAD v4.1: 13 of 156,772 alleles (0.0083%); highest among the groups gnomAD compares: East Asian, 0.21%; no homozygotes.

Submission:

Illumina Laboratory Services, Illumina
Classification: Likely benign for Iron-refractory iron deficiency anemia. Last evaluated: 2018-01-13. Review status: criteria provided, single submitter. Criteria: ICSL Variant Classification Criteria 13 December 2019. Collection method: clinical testing. Allele origin: germline.
Comment: This variant was observed in the ICSL laboratory as part of a predisposition screen in an ostensibly healthy population. It had not been previously curated by ICSL or reported in the Human Gene Mutation Database (HGMD: prior to June 1st, 2018), and was therefore a candidate for classification through an automated scoring system. Utilizing variant allele frequency, disease prevalence and penetrance estimates, and inheritance mode, an automated score was calculated to assess if this variant is too frequent to cause the disease. Based on the score and internal cut-off values, a variant classified as likely benign is not then subjected to further curation. The score for this variant resulted in a classification of likely benign for this disease.